The following is an entry in ClinVar:

ClinVar aggregate classification (germline): Likely pathogenic (1 of 4 stars; one submission).

Submission:

GeneDx
Classification: Likely pathogenic. Last evaluated: 2018-01-04. Review status: criteria provided, single submitter. Criteria: GeneDx Variant Classification (06012015). Collection method: clinical testing. Allele origin: germline. Affected: yes.
Comment: The c.1196+2T>G variant has not been published as a pathogenic variant, nor has it been reported as a benign variant to our knowledge. This splice site variant destroys the canonical splice donor site in intron 9. It is predicted to cause abnormal gene splicing, either leading to an abnormal message that is subject to nonsense-mediated mRNA decay, or to an abnormal protein product if the message is used for protein translation. The c.1196+2T>G variant is not observed in large population cohorts (Lek et al., 2016). Therefore, this variant is likely pathogenic; however, the possibility that it is benign cannot be excluded.

NM_024884.3(L2HGDH):c.1196+2T>G

Gene: L2HGDH (L-2-hydroxyglutarate dehydrogenase; minus strand). Cytogenetic location: 14q21.3.
Variant type: single nucleotide variant.
Coding change: c.1196+2T>G on transcript NM_024884.3 (MANE Select); the canonical splice donor site of the intron after coding-DNA position 1196, T replaced by G.
Molecular consequence: splice donor variant.
Genome position (GRCh38, 1-based): chr14:50,265,356, A>C on the plus strand (T>G on the coding strand, the complement: L2HGDH is on the minus strand). VCF-style: chr14-50265356-A-C. GRCh37 (hg19) VCF-style: chr14-50732074-A-C.
Identifiers: ClinVar variation 489316 (VCV000489316.2), dbSNP rs1555328499, ClinGen allele CA389648388.